The following is an entry in ClinVar:

ClinVar aggregate classification (germline): Uncertain significance (1 of 4 stars; one submission).

Conditions:
Familial Mediterranean fever (FMF). Also called: Periodic peritonitis; Benign paroxysmal peritonitis; POLYSEROSITIS, FAMILIAL PAROXYSMAL; POLYSEROSITIS, RECURRENT. Identifiers: Orphanet 342, MedGen C0031069, MONDO:0018088, OMIM 249100. Disease mechanism: gain of function.

Submission:

Labcorp Genetics (formerly Invitae), Labcorp
Classification: Uncertain significance for Familial Mediterranean fever. Last evaluated: 2021-09-14. Review status: criteria provided, single submitter. Criteria: Invitae Variant Classification Sherloc (09022015). Collection method: clinical testing. Allele origin: germline.
Comment: This sequence change replaces histidine with asparagine at codon 419 of the MEFV protein (p.His419Asn). The histidine residue is weakly conserved and there is a small physicochemical difference between histidine and asparagine. This variant is not present in population databases (ExAC no frequency). This variant has not been reported in the literature in individuals affected with MEFV-related conditions. Algorithms developed to predict the effect of missense changes on protein structure and function (SIFT, PolyPhen-2, Align-GVGD) all suggest that this variant is likely to be tolerated. In summary, the available evidence is currently insufficient to determine the role of this variant in disease. Therefore, it has been classified as a Variant of Uncertain Significance.

NM_000243.3(MEFV):c.1255C>A (p.His419Asn)

Gene: MEFV (MEFV innate immunity regulator, pyrin; minus strand). Cytogenetic location: 16p13.3.
Variant type: single nucleotide variant.
Coding change: c.1255C>A on transcript NM_000243.3 (MANE Select); coding-DNA position 1255, C replaced by A.
Protein change: p.His419Asn; replaces histidine 419 with asparagine.
Molecular consequence: missense variant.
Genome position (GRCh38, 1-based): chr16:3,249,436, G>T on the plus strand (C>A on the coding strand, the complement: MEFV is on the minus strand). VCF-style: chr16-3249436-G-T. GRCh37 (hg19) VCF-style: chr16-3299436-G-T.
Other names: c.622C>A, p.His208Asn (NM_001198536.2); short protein forms H208N, H419N.
Identifiers: ClinVar variation 1369006 (VCV001369006.6), dbSNP rs2141671598, ClinGen allele CA394469052.